The following is an entry in ClinVar:

NM_017654.4(SAMD9):c.1759A>G (p.Lys587Glu)

Gene: SAMD9 (sterile alpha motif domain containing 9; minus strand). Cytogenetic location: 7q21.2.
Variant type: single nucleotide variant.
Coding change: c.1759A>G on transcript NM_017654.4 (MANE Select); coding-DNA position 1759, A replaced by G.
Protein change: p.Lys587Glu; replaces lysine 587 with glutamic acid.
Molecular consequence: missense variant.
Genome position (GRCh38, 1-based): chr7:93,104,339, T>C on the plus strand (A>G on the coding strand, the complement: SAMD9 is on the minus strand). VCF-style: chr7-93104339-T-C. GRCh37 (hg19) VCF-style: chr7-92733652-T-C.
Other names: c.1759A>G, p.Lys587Glu (NM_001193307.2); short protein forms K587E.
Identifiers: ClinVar variation 3384290 (VCV003384290.1).
Genomic context (GRCh38, chr7:93,104,339, plus strand): 5'-AAATACATTGGCTTGAAATTTCATCTTGGTGTTTTATTAATCTTGCTTCAAGTAGATCTT[T>C]CCATCCCTGAAATATGTGTGGGTGCACACAAATACACAGTATATTTTCCATTCCTTTGAG-3'
Protein context (NP_060124.2, residues 577-597): CVHPHIFQGW[Lys587Glu]DLLEARLIKH

ClinVar aggregate classification (germline): Uncertain significance (1 of 4 stars; one submission).

gnomAD v4.1: 13 of 1,613,682 alleles (0.00081%); highest among the groups gnomAD compares: African/African-American, 0.004%; no homozygotes.

Submission:

GeneDx
Classification: Uncertain significance. Last evaluated: 2024-06-06. Review status: criteria provided, single submitter. Criteria: GeneDx Variant Classification Process June 2021. Collection method: clinical testing. Allele origin: germline. Affected: yes.
Comment: Not observed at significant frequency in large population cohorts (gnomAD); In silico analysis indicates that this missense variant does not alter protein structure/function; Has not been previously published as pathogenic or benign to our knowledge; This variant is associated with the following publications: (PMID: 28545555)